The following is an entry in ClinVar:

NM_006059.4(LAMC3):c.1128_1165+33del

Gene: LAMC3 (laminin subunit gamma 3; plus strand). Cytogenetic location: 9q34.12.
Variant type: Deletion.
Coding change: c.1128_1165+33del on transcript NM_006059.4 (MANE Select); coding-DNA position 1128 through 33 bases into the intron after coding-DNA position 1165, 71 bases deleted.
Molecular consequence: splice donor variant.
Genome position (GRCh38, 1-based): chr9:131,039,015-131,039,085, 71 bases deleted. GRCh37 (hg19): chr9:133,914,402-133,914,472.
Identifiers: ClinVar variation 2862093 (VCV002862093.3), dbSNP rs1564371083, ClinGen allele CA590945693.

ClinVar aggregate classification (germline): Likely pathogenic (1 of 4 stars; one submission).

Submission:

Labcorp Genetics (formerly Invitae), Labcorp
Classification: Likely pathogenic. Last evaluated: 2023-01-03. Review status: criteria provided, single submitter. Criteria: Invitae Variant Classification Sherloc (09022015). Collection method: clinical testing. Allele origin: germline.
Comment: This variant results in the deletion of part of exon 5 (c.1128_1165+33del) of the LAMC3 gene. It is expected to disrupt RNA splicing. Variants that disrupt the donor or acceptor splice site typically lead to a loss of protein function (PMID: 16199547), and loss-of-function variants in LAMC3 are known to be pathogenic (PMID: 21572413, 26802095). In summary, the currently available evidence indicates that the variant is pathogenic, but additional data are needed to prove that conclusively. Therefore, this variant has been classified as Likely Pathogenic. Algorithms developed to predict the effect of sequence changes on RNA splicing suggest that this variant may disrupt the consensus splice site. This variant has not been reported in the literature in individuals affected with LAMC3-related conditions. The frequency data for this variant in the population databases is considered unreliable, as metrics indicate poor data quality at this position in the gnomAD database.

Literature cited by the submitters: PubMed 16199547; PubMed 21572413; PubMed 26802095.